The following is an entry in ClinVar:

NM_001625.4(AK2):c.84dup (p.Gly29fs)

Genes: AK2 (adenylate kinase 2; minus strand), LOC129930068 (ATAC-STARR-seq lymphoblastoid active region 705; plus strand). Cytogenetic location: 1p35.1.
Variant type: Duplication.
Coding change: c.84dup on transcript NM_001625.4 (MANE Select); coding-DNA position 84, one base duplicated (A; older notation c.84dupA).
Protein change: p.Gly29fs; shifts the reading frame from glycine 29.
Molecular consequence: frameshift variant. On other transcripts: 5 prime UTR variant (2), non-coding transcript variant (1).
Genome position (GRCh38, 1-based): chr1:33,036,745, T duplicated on the plus strand (A on the coding strand, the reverse complement: AK2 is on the minus strand); the first of 3 consecutive T bases (chr1:33,036,745-33,036,747); duplicating any one gives the same sequence. VCF-style (leftmost placement, unchanged base first): chr1-33036744-C-CT. GRCh37 (hg19) VCF-style: chr1-33502345-C-CT.
Other names: c.84dup, p.Gly29fs (NM_001199199.3, NM_001319141.3, NM_001319142.3 and 2 more transcripts); c.-179dup (NM_001319139.3, NM_001319140.2); short protein forms G29fs.
Identifiers: ClinVar variation 1453536 (VCV001453536.13), dbSNP rs1640610158, ClinGen allele CA1000344123.

ClinVar aggregate classification (germline): Pathogenic/Likely pathogenic. Review status: criteria provided, multiple submitters, no conflicts (2 of 4 stars). 3 submissions from 3 submitters: Pathogenic (2); Likely pathogenic (1). Last evaluated 2024-06-17.

Conditions:
Reticular dysgenesis. Also called: ALEUKOCYTOSIS; CONGENITAL ALEUKIA; HEMATOPOIETIC HYPOPLASIA, GENERALIZED; RETICULAR DYSGENESIA; SEVERE COMBINED IMMUNODEFICIENCY WITH LEUKOPENIA; DeVaal disease. Identifiers: Orphanet 33355, MedGen C0272167, MONDO:0009973, OMIM 267500.
AK2-related disorder. Also called: AK2-related condition.

Submissions (3):

Blueprint Genetics
Classification: Likely pathogenic for AK2-related disorders. Last evaluated: 2024-06-17. Review status: criteria provided, single submitter. Criteria: ACMG Guidelines, 2015. Collection method: clinical testing. Allele origin: germline. Affected: yes. Observed: 4 variant alleles.

Labcorp Genetics (formerly Invitae), Labcorp
Classification: Pathogenic for Reticular dysgenesis. Last evaluated: 2023-01-18. Review status: criteria provided, single submitter. Criteria: Invitae Variant Classification Sherloc (09022015). Collection method: clinical testing. Allele origin: germline.
Comment: ClinVar contains an entry for this variant (Variation ID: 1453536). This sequence change creates a premature translational stop signal (p.Gly29Argfs*9) in the AK2 gene. It is expected to result in an absent or disrupted protein product. Loss-of-function variants in AK2 are known to be pathogenic (PMID: 19043416, 19043417, 19414857). This variant is not present in population databases (gnomAD no frequency). This variant has not been reported in the literature in individuals affected with AK2-related conditions. For these reasons, this variant has been classified as Pathogenic.

Victorian Clinical Genetics Services, Murdoch Childrens Research Institute
Classification: Pathogenic for Reticular dysgenesis. Last evaluated: 2022-02-02. Review status: criteria provided, single submitter. Criteria: ACMG Guidelines, 2015. Collection method: clinical testing. Allele origin: germline. Inheritance: Autosomal recessive inheritance.
Comment: Based on the classification scheme VCGS_Germline_v1.3.4, this variant is classified as Pathogenic. Following criteria are met: 0102 - Loss of function is a known mechanism of disease in this gene and is associated with reticular dysgenesis (MIM#267500). (I) 0106 - This gene is associated with autosomal recessive disease. (I) 0115 - Variants in this gene are known to have variable expressivity. Hoenig et al. reported that around half of their cohort presented with additional haematological abnormalities. In addition, a recurrent missense variant resulted in a variable phenotype in 3 independent families (PMID: 28331055). (I) 0201 - Variant is predicted to cause nonsense-mediated decay (NMD) and loss of protein (premature termination codon is located at least 54 nucleotides upstream of the final exon-exon junction). (SP) 0251 - This variant is heterozygous. (I) 0304 - Variant is present in gnomAD (v3) <0.01 for a recessive condition (1 heterozygote, 0 homozygotes). (SP) 0702 - Other NMD-predicted variants comparable to the one identified in this case have strong previous evidence for pathogenicity. Variants predicted to result in NMD have been reported in multiple patients with reticular dysgenesis (PMID: 19043416, 19043417, 28331055, 30778343). (SP) 0807 - This variant has no previous evidence of pathogenicity. (I) 0905 - No published segregation evidence has been identified for this variant. (I) 1007 - No published functional evidence has been identified for this variant. (I) 1208 - Inheritance information for this variant is not currently available in this individual. (I) Legend: (SP) - Supporting pathogenic, (I) - Information, (SB) - Supporting benign

Literature cited by the submitters: PubMed 19043416 (cited by Labcorp Genetics (formerly Invitae), Labcorp and Victorian Clinical Genetics Services, Murdoch Childrens Research Institute); PubMed 19043417 (cited by Labcorp Genetics (formerly Invitae), Labcorp and Victorian Clinical Genetics Services, Murdoch Childrens Research Institute); PubMed 19414857 (cited by Labcorp Genetics (formerly Invitae), Labcorp); PubMed 28331055 (cited by Victorian Clinical Genetics Services, Murdoch Childrens Research Institute); PubMed 30778343 (cited by Victorian Clinical Genetics Services, Murdoch Childrens Research Institute).